The following is an entry in ClinVar:

NM_002691.4(POLD1):c.2007-5C>T

Gene: POLD1 (DNA polymerase delta 1, catalytic subunit; plus strand). Cytogenetic location: 19q13.33.
Variant type: single nucleotide variant.
Coding change: c.2007-5C>T on transcript NM_002691.4 (MANE Select); 5 bases into the intron before coding-DNA position 2007, C replaced by T.
Molecular consequence: intron variant.
Genome position (GRCh38, 1-based): chr19:50,409,514, C>T. VCF-style: chr19-50409514-C-T. GRCh37 (hg19) VCF-style: chr19-50912771-C-T.
Other names: c.2085-5C>T (LRG_785t2, NM_001308632.1); c.2007-5C>T (LRG_785t1, NM_001256849.1).
Identifiers: ClinVar variation 239265 (VCV000239265.51), dbSNP rs199506387, ClinGen allele CA9596369.

ClinVar aggregate classification (germline): Benign/Likely benign. Review status: criteria provided, multiple submitters, no conflicts (2 of 4 stars). 11 submissions from 11 submitters: Benign (1); Likely benign (9). 1 of the submissions does not count toward it. Last evaluated 2026-06-01.

Conditions:
Hereditary cancer-predisposing syndrome. Also called: Tumor predisposition; Hereditary Cancer Syndrome; Neoplastic Syndromes, Hereditary; Hereditary neoplastic syndrome. Identifiers: Orphanet 140162, MedGen C0027672, MeSH D009386, MONDO:0015356.
POLD1-related polyposis and colorectal cancer syndrome (CRCS10). Also called: Colorectal cancer 10; COLORECTAL CANCER, SUSCEPTIBILITY TO, ON CHROMOSOME 19q; Colorectal cancer, susceptibility to, 10. Identifiers: Orphanet 220460, MedGen C2675481, MONDO:0012953, OMIM 612591.

Allele frequency attached by ClinVar (database versions not stated): ESP Exome Variant Server 0.00008; ExAC 0.00012; 1000 Genomes Project 30x 0.00016; gnomAD 0.00017 and 0.00019; gnomAD exomes 0.00019 and 0.00028; 1000 Genomes Project 0.00020; TOPMed 0.00038.
gnomAD v4.1: 435 of 1,613,518 alleles (0.027%); highest among the groups gnomAD compares: Admixed American, 0.047%; no homozygotes.

Submissions (11):

CeGaT Center for Human Genetics Tuebingen
Classification: Likely benign. Last evaluated: 2026-06-01. Review status: criteria provided, single submitter. Criteria: CeGaT Center For Human Genetics Tuebingen Variant Classification Criteria Version 2. Collection method: clinical testing. Allele origin: germline. Affected: yes. Observed: 2 variant alleles.
Comment: POLD1: BP4, BS1

Labcorp Genetics (formerly Invitae), Labcorp
Classification: Likely benign for POLD1-related polyposis and colorectal cancer syndrome. Last evaluated: 2026-02-04. Review status: criteria provided, single submitter. Criteria: Invitae Variant Classification Sherloc (09022015). Collection method: clinical testing. Allele origin: germline.

ARUP Laboratories, Molecular Genetics and Genomics, ARUP Laboratories
Classification: Likely benign. Last evaluated: 2025-03-04. Review status: criteria provided, single submitter. Criteria: ARUP Molecular Germline Variant Investigation Process 2024. Collection method: clinical testing. Allele origin: germline.

Center for Genomic Medicine, Rigshospitalet, Copenhagen University Hospital
Classification: Likely benign. Last evaluated: 2025-03-04. Review status: criteria provided, single submitter. Criteria: ACMG Guidelines, 2015. Collection method: clinical testing. Allele origin: germline.

Blueprint Genetics
Classification: Likely benign. Last evaluated: 2024-08-05. Review status: criteria provided, single submitter. Criteria: ACMG Guidelines, 2015. Collection method: clinical testing. Allele origin: germline.

Ambry Genetics
Classification: Likely benign for Hereditary cancer-predisposing syndrome. Last evaluated: 2024-03-07. Review status: criteria provided, single submitter. Criteria: Ambry Variant Classification Scheme 2023. Collection method: clinical testing. Allele origin: germline.

Sema4
Classification: Benign for Hereditary cancer-predisposing syndrome. Last evaluated: 2021-04-16. Review status: criteria provided, single submitter. Criteria: Sema4 Curation Guidelines. Collection method: curation. Allele origin: germline.

GeneDx
Classification: Likely benign. Last evaluated: 2021-02-25. Review status: criteria provided, single submitter. Criteria: GeneDx Variant Classification Process June 2021. Collection method: clinical testing. Allele origin: germline. Affected: yes.

Mendelics
Classification: Likely benign for POLD1-related polyposis and colorectal cancer syndrome. Last evaluated: 2019-05-28. Review status: criteria provided, single submitter. Criteria: Mendelics Assertion Criteria 2017. Collection method: clinical testing. Allele origin: unknown.

PreventionGenetics, part of Exact Sciences
Classification: Likely benign. Last evaluated: 2018-01-11. Review status: criteria provided, single submitter. Criteria: ACMG Guidelines, 2015. Collection method: clinical testing. Allele origin: germline.

Molecular Oncology Laboratory, Hospital Clínico San Carlos
Classification: Benign for POLD1-related polyposis and colorectal cancer syndrome. Last evaluated: 2018-06-01. Review status: no assertion criteria provided. Criteria: ACMG Guidelines, 2015. Collection method: clinical testing. Allele origin: germline. Inheritance: Autosomal dominant inheritance. Affected: yes. Not counted in ClinVar's aggregate classification.